The following is an entry in ClinVar:

NM_001164508.2(NEB):c.5905T>C (p.Tyr1969His)

Gene: NEB (nebulin; minus strand). Cytogenetic location: 2q23.3.
Variant type: single nucleotide variant.
Coding change: c.5905T>C on transcript NM_001164508.2 (MANE Select); coding-DNA position 5905, T replaced by C.
Protein change: p.Tyr1969His; replaces tyrosine 1969 with histidine.
Molecular consequence: missense variant.
Genome position (GRCh38, 1-based): chr2:151,662,200, A>G on the plus strand (T>C on the coding strand, the complement: NEB is on the minus strand). VCF-style: chr2-151662200-A-G. GRCh37 (hg19) VCF-style: chr2-152518714-A-G.
Other names: c.5905T>C, p.Tyr1969His (NM_001164507.2, NM_001271208.2, NM_004543.5); short protein forms Y1969H.
Identifiers: ClinVar variation 211590 (VCV000211590.29), dbSNP rs34532796, ClinGen allele CA205188.

ClinVar aggregate classification (germline): Conflicting classifications of pathogenicity. Review status: criteria provided, conflicting classifications (1 of 4 stars). 11 submissions from 11 submitters: Uncertain significance (1); Benign (7); Likely benign (2). 1 of the submissions does not count toward it. Last evaluated 2026-02-04.

Conditions:
Nemaline myopathy 2 (NEM2). Also called: Nemaline myopathy 2, autosomal recessive. Identifiers: MedGen C1850569, MONDO:0009725, OMIM 256030.

Allele frequency attached by ClinVar (database versions not stated): gnomAD exomes 0.00057 and 0.00150; ExAC 0.00189; gnomAD 0.00512 and 0.00550; 1000 Genomes Project 0.00519; 1000 Genomes Project 30x 0.00547; TOPMed 0.00582; ESP Exome Variant Server 0.00622.
gnomAD v4.1: 1,638 of 1,613,652 alleles (0.1%); highest among the groups gnomAD compares: African/African-American, 1.9%; 22 homozygotes.

Submissions (11):

Labcorp Genetics (formerly Invitae), Labcorp
Classification: Benign for Nemaline myopathy 2. Last evaluated: 2026-02-04. Review status: criteria provided, single submitter. Criteria: Invitae Variant Classification Sherloc (09022015). Collection method: clinical testing. Allele origin: germline.

Athena Diagnostics
Classification: Benign. Last evaluated: 2025-11-06. Review status: criteria provided, single submitter. Criteria: Athena Diagnostics Criteria. Collection method: clinical testing. Allele origin: unknown.
Comment: The frequency of this variant in the general population is higher than would generally be expected for pathogenic variants in this gene.

Blueprint Genetics
Classification: Likely benign. Last evaluated: 2024-11-25. Review status: criteria provided, single submitter. Criteria: ACMG Guidelines, 2015. Collection method: clinical testing. Allele origin: germline.

Genomic Medicine Center of Excellence, King Faisal Specialist Hospital and Research Centre
Classification: Benign for Nemaline myopathy 2. Last evaluated: 2024-09-22. Review status: criteria provided, single submitter. Criteria: ACMG Guidelines, 2015. Collection method: clinical testing. Allele origin: germline.

Women's Health and Genetics/Laboratory Corporation of America, LabCorp
Classification: Benign. Last evaluated: 2023-03-20. Review status: criteria provided, single submitter. Criteria: LabCorp Variant Classification Summary - May 2015. Collection method: clinical testing. Allele origin: germline.
Comment: Variant summary: NEB c.5905T>C (p.Tyr1969His) results in a conservative amino acid change in the encoded protein sequence. Two of four in-silico tools predict a benign effect of the variant on protein function. The variant allele was found at a frequency of 0.0015 in 248980 control chromosomes, predominantly at a frequency of 0.02 within the African or African-American subpopulation in the gnomAD database, including 2 homozygotes. The observed variant frequency within African or African-American control individuals in the gnomAD database is approximately 6 fold of the estimated maximal expected allele frequency for a pathogenic variant in NEB causing Nemaline Myopathy 2 phenotype (0.0035), strongly suggesting that the variant is a benign polymorphism found primarily in populations of African or African-American origin. To our knowledge, no occurrence of c.5905T>C in individuals affected with Nemaline Myopathy 2 and no experimental evidence demonstrating its impact on protein function have been reported. Five clinical diagnostic laboratories have submitted clinical-significance assessments for this variant to ClinVar after 2014 and all classified the variant as benign (n=4)/likely benign (n=1). Based on the evidence outlined above, the variant was classified as benign.

Pars Genome Lab
Classification: Benign for Nemaline myopathy 2. Last evaluated: 2021-05-18. Review status: criteria provided, single submitter. Criteria: ACMG Guidelines, 2015. Collection method: clinical testing. Allele origin: germline. Affected: no.

Illumina Laboratory Services, Illumina
Classification: Likely benign for Nemaline myopathy 2. Last evaluated: 2018-01-13. Review status: criteria provided, single submitter. Criteria: ICSL Variant Classification Criteria 13 December 2019. Collection method: clinical testing. Allele origin: germline.
Comment: This variant was observed in the ICSL laboratory as part of a predisposition screen in an ostensibly healthy population. It had not been previously curated by ICSL or reported in the Human Gene Mutation Database (HGMD: prior to June 1st, 2018), and was therefore a candidate for classification through an automated scoring system. Utilizing variant allele frequency, disease prevalence and penetrance estimates, and inheritance mode, an automated score was calculated to assess if this variant is too frequent to cause the disease. Based on the score and internal cut-off values, a variant classified as likely benign is not then subjected to further curation. The score for this variant resulted in a classification of likely benign for this disease.

GeneDx
Classification: Benign. Last evaluated: 2017-10-06. Review status: criteria provided, single submitter. Criteria: GeneDx Variant Classification (06012015). Collection method: clinical testing. Allele origin: germline. Affected: yes.
Comment: This variant is considered likely benign or benign based on one or more of the following criteria: it is a conservative change, it occurs at a poorly conserved position in the protein, it is predicted to be benign by multiple in silico algorithms, and/or has population frequency not consistent with disease.

Genetic Services Laboratory, University of Chicago
Classification: Uncertain significance. Last evaluated: 2014-09-04. Review status: criteria provided, single submitter. Criteria: ACMG Guidelines, 2015. Collection method: clinical testing. Allele origin: germline.

PreventionGenetics, part of Exact Sciences
Classification: Benign. Review status: criteria provided, single submitter. Criteria: ACMG Guidelines, 2015. Collection method: clinical testing. Allele origin: germline.

Natera, Inc.
Classification: Benign for Nemaline myopathy type 2. Last evaluated: 2019-11-11. Review status: no assertion criteria provided. Collection method: clinical testing. Allele origin: germline. Not counted in ClinVar's aggregate classification.